The following is an entry in ClinVar:

ClinVar aggregate classification (germline): Uncertain significance (1 of 4 stars; one submission).

Conditions:
Spastic ataxia 2. Also called: Ataxia, spastic, 2, autosomal recessive. Identifiers: Orphanet 397946, MedGen C1969796, MONDO:0012651, OMIM 611302.

Allele frequency attached by ClinVar (database versions not stated): gnomAD exomes below 0.00001 and 0.00001; TOPMed below 0.00001; gnomAD 0.00001.

Submission:

Labcorp Genetics (formerly Invitae), Labcorp
Classification: Uncertain significance for Spastic ataxia 2. Last evaluated: 2021-11-15. Review status: criteria provided, single submitter. Criteria: Invitae Variant Classification Sherloc (09022015). Collection method: clinical testing. Allele origin: germline.
Comment: This sequence change replaces methionine, which is neutral and non-polar, with threonine, which is neutral and polar, at codon 744 of the KIF1C protein (p.Met744Thr). This variant is present in population databases (no rsID available, gnomAD 0.01%). This variant has not been reported in the literature in individuals affected with KIF1C-related conditions. Algorithms developed to predict the effect of missense changes on protein structure and function are either unavailable or do not agree on the potential impact of this missense change (SIFT: "Deleterious"; PolyPhen-2: "Benign"; Align-GVGD: "Class C0"). In summary, the available evidence is currently insufficient to determine the role of this variant in disease. Therefore, it has been classified as a Variant of Uncertain Significance.

NM_006612.6(KIF1C):c.2231T>C (p.Met744Thr)

Gene: KIF1C (kinesin family member 1C; plus strand). Cytogenetic location: 17p13.2.
Variant type: single nucleotide variant.
Coding change: c.2231T>C on transcript NM_006612.6 (MANE Select); coding-DNA position 2231, T replaced by C.
Protein change: p.Met744Thr; replaces methionine 744 with threonine.
Molecular consequence: missense variant.
Genome position (GRCh38, 1-based): chr17:5,022,312, T>C. VCF-style: chr17-5022312-T-C. GRCh37 (hg19) VCF-style: chr17-4925607-T-C.
Other names: short protein forms M744T.
Identifiers: ClinVar variation 1432251 (VCV001432251.6), dbSNP rs1453593139, ClinGen allele CA397313190.